The following is an entry in ClinVar:

ClinVar aggregate classification (germline): Uncertain significance (1 of 4 stars; one submission).

Conditions:
Cardiovascular phenotype. Identifiers: MedGen CN230736.

Submission:

Ambry Genetics
Classification: Uncertain significance for Cardiovascular phenotype. Last evaluated: 2024-12-05. Review status: criteria provided, single submitter. Criteria: Ambry Variant Classification Scheme 2023. Collection method: clinical testing. Allele origin: germline.
Comment: The p.P846S variant (also known as c.2536C>T), located in coding exon 15 of the EPHB4 gene, results from a C to T substitution at nucleotide position 2536. The proline at codon 846 is replaced by serine, an amino acid with similar properties. This amino acid position is conserved. In addition, the in silico prediction for this alteration is inconclusive. Based on the available evidence, the clinical significance of this variant remains unclear.

NM_004444.5(EPHB4):c.2536C>T (p.Pro846Ser)

Genes: EPHB4 (EPH receptor B4; minus strand), LOC126860124 (CDK7 strongly-dependent group 2 enhancer GRCh37_chr7:100403701-100404900; plus strand). Cytogenetic location: 7q22.1.
Variant type: single nucleotide variant.
Coding change: c.2536C>T on transcript NM_004444.5 (MANE Select); coding-DNA position 2536, C replaced by T.
Protein change: p.Pro846Ser; replaces proline 846 with serine.
Molecular consequence: missense variant.
Genome position (GRCh38, 1-based): chr7:100,805,643, G>A on the plus strand (C>T on the coding strand, the complement: EPHB4 is on the minus strand). VCF-style: chr7-100805643-G-A. GRCh37 (hg19) VCF-style: chr7-100403265-G-A.
Other names: short protein forms P846S.
Identifiers: ClinVar variation 3509419 (VCV003509419.1).